The following is an entry in ClinVar:

ClinVar aggregate classification (germline): Uncertain significance. Review status: reviewed by expert panel (3 of 4 stars). 2 submissions from 2 submitters: Uncertain significance (1). 1 of the submissions does not count toward it. Last evaluated 2026-05-27.

Conditions:
Hereditary thrombocytopenia and hematologic cancer predisposition syndrome. Identifiers: Orphanet 71290, MedGen CN281654, MONDO:0011071.
Inborn genetic diseases. Identifiers: MedGen C0950123, MeSH D030342.

Submissions (2):

ClinGen Myeloid Malignancy Variant Curation Expert Panel
Classification: Uncertain significance for Hereditary thrombocytopenia and hematologic cancer predisposition syndrome. Last evaluated: 2026-05-27. Review status: reviewed by expert panel. Criteria: ClinGen MyeloMalig ACMG Specifications V3.1. Collection method: curation. Allele origin: germline. Inheritance: Autosomal dominant inheritance.
Comment: NM_001754.5(RUNX1):c.287A>C (p.Asn96Thr) is a missense variant which affects a residue (N96) within the RHD (PM1_Supporting). This variant is completely absent from all population databases with at least 20x coverage for RUNX1 (PM2_Supporting) and has a REVEL score ≥ 0.88 (0.91)(PP3). In summary, the clinical significance of this variant is uncertain. ACMG/AMP criteria applied, as specified by the Myeloid Malignancy Variant Curation Expert Panel for RUNX1: PM1_supporting, PM2_supporting, PP3.

Ambry Genetics
Classification: Uncertain significance for Inborn genetic diseases. Last evaluated: 2025-07-03. Review status: criteria provided, single submitter. Criteria: Ambry Variant Classification Scheme 2023. Collection method: clinical testing. Allele origin: germline. Not counted in ClinVar's aggregate classification.
Comment: The p.N96T variant (also known as c.287A>C), located in coding exon 3 of the RUNX1 gene, results from an A to C substitution at nucleotide position 287. The asparagine at codon 96 is replaced by threonine, an amino acid with similar properties. This amino acid position is conserved. In addition, this alteration is predicted to be deleterious by in silico analysis. Based on the available evidence, the clinical significance of this variant remains unclear.

NM_001754.5(RUNX1):c.287A>C (p.Asn96Thr)

Gene: RUNX1 (RUNX family transcription factor 1; minus strand). Cytogenetic location: 21q22.12.
Variant type: single nucleotide variant.
Coding change: c.287A>C on transcript NM_001754.5 (MANE Select); coding-DNA position 287, A replaced by C.
Protein change: p.Asn96Thr; replaces asparagine 96 with threonine.
Molecular consequence: missense variant.
Genome position (GRCh38, 1-based): chr21:34,886,907, T>G on the plus strand (A>C on the coding strand, the complement: RUNX1 is on the minus strand). VCF-style: chr21-34886907-T-G. GRCh37 (hg19) VCF-style: chr21-36259204-T-G.
Other names: NM_001754.5(RUNX1):c.287A>C; p.Asn96Thr; c.206A>C, p.Asn69Thr (NM_001001890.3, NM_001122607.2); short protein forms N96T, N69T.
Identifiers: ClinVar variation 4158194 (VCV004158194.2).